The following is an entry in ClinVar:

NM_001388067.1(MIPOL1):c.1262+21051A>G

Gene: MIPOL1 (mirror-image polydactyly 1; plus strand). Cytogenetic location: 14q21.1.
Variant type: single nucleotide variant.
Coding change: c.1262+21051A>G on transcript NM_001388067.1 (MANE Select); 21051 bases into the intron after coding-DNA position 1262, A replaced by G.
Molecular consequence: intron variant. On other transcripts: synonymous variant (2).
Genome position (GRCh38, 1-based): chr14:37,521,189, A>G. VCF-style: chr14-37521189-A-G. GRCh37 (hg19) VCF-style: chr14-37990394-A-G.
Other names: c.1262+21051A>G (NM_001195297.2, NM_138731.7, NM_001388068.1 and 1 more transcripts); c.1169+21051A>G (NM_001388071.1, NM_001388070.1, NM_001388072.1); c.1061+21051A>G (NM_001388074.1, NM_001388075.1); c.1032-25716A>G (NM_001388077.1); c.1154+21051A>G (NM_001388073.1); c.1494A>G, p.Ser498= (NM_001388069.1, NM_001412440.1).
Identifiers: ClinVar variation 2644183 (VCV002644183.24), dbSNP rs2095410966, ClinGen allele CA962088891.

ClinVar aggregate classification (germline): Likely benign (1 of 4 stars; one submission).

Allele frequency attached by ClinVar (database versions not stated): TOPMed below 0.00001.

Submission:

CeGaT Center for Human Genetics Tuebingen
Classification: Likely benign. Last evaluated: 2023-10-01. Review status: criteria provided, single submitter. Criteria: CeGaT Center For Human Genetics Tuebingen Variant Classification Criteria Version 2. Collection method: clinical testing. Allele origin: germline. Affected: yes. Observed: 1 variant allele.
Comment: MIPOL1: BP4, BP7